The following is an entry in ClinVar:

NM_181705.4(LYRM7):c.163-16T>C

Gene: LYRM7 (LYR motif containing 7; plus strand). Cytogenetic location: 5q23.3.
Variant type: single nucleotide variant.
Coding change: c.163-16T>C on transcript NM_181705.4 (MANE Select); 16 bases into the intron before coding-DNA position 163, T replaced by C.
Molecular consequence: intron variant.
Genome position (GRCh38, 1-based): chr5:131,187,012, T>C. VCF-style: chr5-131187012-T-C. GRCh37 (hg19) VCF-style: chr5-130522705-T-C.
Other names: c.162+4713T>C (NM_001293735.2).
Identifiers: ClinVar variation 382379 (VCV000382379.1), dbSNP rs1057521343, ClinGen allele CA16604696.

ClinVar aggregate classification (germline): Likely benign (1 of 4 stars; one submission).

Allele frequency attached by ClinVar (database versions not stated): gnomAD exomes below 0.00001.
gnomAD v4.1: 1 of 1,415,632 alleles (0.000071%); highest among the groups gnomAD compares: Non-Finnish European, 0.000098%; no homozygotes.

Submission:

GeneDx
Classification: Likely benign. Last evaluated: 2016-01-25. Review status: criteria provided, single submitter. Criteria: GeneDx Variant Classification (06012015). Collection method: clinical testing. Allele origin: germline. Affected: yes.
Comment: This variant is considered likely benign or benign based on one or more of the following criteria: it is a conservative change, it occurs at a poorly conserved position in the protein, it is predicted to be benign by multiple in silico algorithms, and/or has population frequency not consistent with disease.